The following is an entry in ClinVar:

NM_001368882.1(COL13A1):c.102G>T (p.Glu34Asp)

Gene: COL13A1 (collagen type XIII alpha 1 chain; plus strand). Cytogenetic location: 10q22.1.
Variant type: single nucleotide variant.
Coding change: c.102G>T on transcript NM_001368882.1 (MANE Select); coding-DNA position 102, G replaced by T.
Protein change: p.Glu34Asp; replaces glutamic acid 34 with aspartic acid.
Molecular consequence: missense variant. On other transcripts: 5 prime UTR variant (1).
Genome position (GRCh38, 1-based): chr10:69,802,525, G>T. VCF-style: chr10-69802525-G-T. GRCh37 (hg19) VCF-style: chr10-71562281-G-T.
Other names: c.102G>T, p.Glu34Asp (NM_001130103.2, NM_001320951.2, NM_001368883.1 and 11 more transcripts); c.-552G>T (NM_001368886.1); short protein forms E34D.
Identifiers: ClinVar variation 1479046 (VCV001479046.8), dbSNP rs1303085768, ClinGen allele CA376961569.
Genomic context (GRCh38, chr10:69,802,525, plus strand): 5'-CCGCGGCCCTGGGGAGTTGGGCGCGCCCGGGACGGTGGCTCTGGTGGCGGCGCGGGCGGA[G>T]CGCGGCGCACGGCTGCCGAGTCCAGGGTCGTGCGGGCTGCTGACGCTGGCCCTCTGCTCG-3'
Protein context (NP_001355811.1, residues 24-44): GTVALVAARA[Glu34Asp]RGARLPSPGS

ClinVar aggregate classification (germline): Uncertain significance (1 of 4 stars; one submission).

Submission:

Labcorp Genetics (formerly Invitae), Labcorp
Classification: Uncertain significance. Last evaluated: 2021-07-27. Review status: criteria provided, single submitter. Criteria: Invitae Variant Classification Sherloc (09022015). Collection method: clinical testing. Allele origin: germline.
Comment: In summary, the available evidence is currently insufficient to determine the role of this variant in disease. Therefore, it has been classified as a Variant of Uncertain Significance. Algorithms developed to predict the effect of missense changes on protein structure and function are either unavailable or do not agree on the potential impact of this missense change (SIFT: "Deleterious"; PolyPhen-2: "Probably Damaging"; Align-GVGD: "Class C0"). This variant has not been reported in the literature in individuals with COL13A1-related conditions. This variant is not present in population databases (ExAC no frequency). This sequence change replaces glutamic acid with aspartic acid at codon 34 of the COL13A1 protein (p.Glu34Asp). The glutamic acid residue is weakly conserved and there is a small physicochemical difference between glutamic acid and aspartic acid.